The following is an entry in ClinVar:

NM_003126.4(SPTA1):c.1350+1G>C

Gene: SPTA1 (spectrin alpha, erythrocytic 1; minus strand). Cytogenetic location: 1q23.1.
Variant type: single nucleotide variant.
Coding change: c.1350+1G>C on transcript NM_003126.4 (MANE Select); the canonical splice donor site of the intron after coding-DNA position 1350, G replaced by C.
Molecular consequence: splice donor variant.
Genome position (GRCh38, 1-based): chr1:158,674,328, C>G on the plus strand (G>C on the coding strand, the complement: SPTA1 is on the minus strand). VCF-style: chr1-158674328-C-G. GRCh37 (hg19) VCF-style: chr1-158644118-C-G.
Identifiers: ClinVar variation 1705976 (VCV001705976.5), dbSNP rs2525292291, ClinGen allele CA343014359.

ClinVar aggregate classification (germline): Pathogenic/Likely pathogenic. Review status: criteria provided, multiple submitters, no conflicts (2 of 4 stars). 2 submissions from 2 submitters: Pathogenic (1); Likely pathogenic (1). Last evaluated 2023-02-21.

Submissions (2):

ARUP Laboratories, Molecular Genetics and Genomics, ARUP Laboratories
Classification: Pathogenic. Last evaluated: 2023-02-21. Review status: criteria provided, single submitter. Criteria: ARUP Molecular Germline Variant Investigation Process 2024. Collection method: clinical testing. Allele origin: germline.
Comment: The SPTA1 c.1350+1G>C variant, to our knowledge, is not reported in the medical literature but is reported in ClinVar (Variation ID: 1705976). This variant is also absent from the Genome Aggregation Database, indicating it is not a common polymorphism. This variant disrupts the canonical splice donor site of intron 10, which is likely to negatively impact gene function. Based on available information, this variant is considered to be pathogenic.

Mayo Clinic Laboratories, Mayo Clinic
Classification: Likely pathogenic. Last evaluated: 2021-06-25. Review status: criteria provided, single submitter. Criteria: ACMG Guidelines, 2015. Collection method: clinical testing. Allele origin: germline.
Comment: PVS1_strong, PM2

Literature cited by the submitters: PubMed 31333484 (cited by Mayo Clinic Laboratories, Mayo Clinic).